The following is an entry in ClinVar:

ClinVar aggregate classification (germline): Uncertain significance (1 of 4 stars; one submission).

Conditions:
Inborn genetic diseases. Identifiers: MedGen C0950123, MeSH D030342.

gnomAD v4.1: 1 of 1,612,712 alleles (0.000062%); highest among the groups gnomAD compares: Admixed American, 0.0017%; no homozygotes.

Submission:

Ambry Genetics
Classification: Uncertain significance for Inborn genetic diseases. Last evaluated: 2026-08-05. Review status: criteria provided, single submitter. Criteria: Ambry Variant Classification Scheme 2023. Collection method: clinical testing. Allele origin: germline.
Comment: The c.2644T>G (p.S882A) alteration is located in exon 20 (coding exon 18) of the KMT2E gene. This alteration results from a T to G substitution at nucleotide position 2644, causing the serine (S) at amino acid position 882 to be replaced by an alanine (A). Based on data from gnomAD, the G allele has an overall frequency of <0.001% (1/251148) total alleles studied. The highest observed frequency was 0.003% (1/34572) of Latino alleles. Based on insufficient or conflicting evidence, the clinical significance of this alteration remains unclear.

NM_182931.3(KMT2E):c.2644T>G (p.Ser882Ala)

Gene: KMT2E (lysine methyltransferase 2E (inactive); plus strand). Cytogenetic location: 7q22.3.
Variant type: single nucleotide variant.
Coding change: c.2644T>G on transcript NM_182931.3 (MANE Select); coding-DNA position 2644, T replaced by G.
Protein change: p.Ser882Ala; replaces serine 882 with alanine.
Molecular consequence: missense variant.
Genome position (GRCh38, 1-based): chr7:105,106,569, T>G. VCF-style: chr7-105106569-T-G. GRCh37 (hg19) VCF-style: chr7-104747016-T-G.
Other names: c.2644T>G, p.Ser882Ala (NM_001410908.1, NM_018682.4); short protein forms S882A.
Identifiers: ClinVar variation 5023406 (VCV005023406.1).